The following is an entry in ClinVar:

NM_206933.4(USH2A):c.10003A>T (p.Ile3335Leu)

Gene: USH2A (usherin; minus strand). Cytogenetic location: 1q41.
Variant type: single nucleotide variant.
Coding change: c.10003A>T on transcript NM_206933.4 (MANE Select); coding-DNA position 10003, A replaced by T.
Protein change: p.Ile3335Leu; replaces isoleucine 3335 with leucine.
Molecular consequence: missense variant.
Genome position (GRCh38, 1-based): chr1:215,790,238, T>A on the plus strand (A>T on the coding strand, the complement: USH2A is on the minus strand). VCF-style: chr1-215790238-T-A. GRCh37 (hg19) VCF-style: chr1-215963580-T-A.
Other names: short protein forms I3335L.
Identifiers: ClinVar variation 2151373 (VCV002151373.1), dbSNP rs759393994, ClinGen allele CA344844612.

ClinVar aggregate classification (germline): Uncertain significance (1 of 4 stars; one submission).

gnomAD v4.1: 5 of 1,614,076 alleles (0.00031%); highest among the groups gnomAD compares: Non-Finnish European, 0.00042%; no homozygotes.

Submission:

Labcorp Genetics (formerly Invitae), Labcorp
Classification: Uncertain significance. Last evaluated: 2022-04-03. Review status: criteria provided, single submitter. Criteria: Invitae Variant Classification Sherloc (09022015). Collection method: clinical testing. Allele origin: germline.
Comment: This sequence change replaces isoleucine, which is neutral and non-polar, with leucine, which is neutral and non-polar, at codon 3335 of the USH2A protein (p.Ile3335Leu). This variant is not present in population databases (gnomAD no frequency). This variant has not been reported in the literature in individuals affected with USH2A-related conditions. Algorithms developed to predict the effect of missense changes on protein structure and function are either unavailable or do not agree on the potential impact of this missense change (SIFT: "Deleterious"; PolyPhen-2: "Benign"; Align-GVGD: "Class C0"). In summary, the available evidence is currently insufficient to determine the role of this variant in disease. Therefore, it has been classified as a Variant of Uncertain Significance.